The following is an entry in ClinVar:

NM_018249.6(CDK5RAP2):c.5201A>G (p.Tyr1734Cys)

Gene: CDK5RAP2 (CDK5 regulatory subunit associated protein 2; minus strand). Cytogenetic location: 9q33.2.
Variant type: single nucleotide variant.
Coding change: c.5201A>G on transcript NM_018249.6 (MANE Select); coding-DNA position 5201, A replaced by G.
Protein change: p.Tyr1734Cys; replaces tyrosine 1734 with cysteine.
Molecular consequence: missense variant. On other transcripts: non-coding transcript variant (5).
Genome position (GRCh38, 1-based): chr9:120,402,912, T>C on the plus strand (A>G on the coding strand, the complement: CDK5RAP2 is on the minus strand). VCF-style: chr9-120402912-T-C. GRCh37 (hg19) VCF-style: chr9-123165190-T-C.
Other names: c.4964A>G, p.Tyr1655Cys (NM_001011649.3); c.4511A>G, p.Tyr1504Cys (NM_001272039.2); short protein forms Y1734C, Y1655C, Y1504C.
Identifiers: ClinVar variation 364749 (VCV000364749.16), dbSNP rs150994426, ClinGen allele CA5213342.

ClinVar aggregate classification (germline): Conflicting classifications of pathogenicity. Review status: criteria provided, conflicting classifications (1 of 4 stars). 5 submissions from 5 submitters: Uncertain significance (3); Likely benign (1). 1 of the submissions does not count toward it. Last evaluated 2025-12-18.

Conditions:
Microcephaly 3, primary, autosomal recessive. Identifiers: Orphanet 2512, MedGen C1858108, MONDO:0011488, OMIM 604804.
CDK5RAP2-related disorder. Also called: CDK5RAP2-related condition.

Allele frequency attached by ClinVar (database versions not stated): gnomAD exomes 0.00007 and 0.00019; ExAC 0.00023; gnomAD 0.00067 and 0.00071; 1000 Genomes Project 30x 0.00078; 1000 Genomes Project 0.00080; TOPMed 0.00082; ESP Exome Variant Server 0.00100.
gnomAD v4.1: 200 of 1,614,148 alleles (0.012%); highest among the groups gnomAD compares: African/African-American, 0.23%; no homozygotes.

Submissions (5):

Labcorp Genetics (formerly Invitae), Labcorp
Classification: Likely benign. Last evaluated: 2025-12-18. Review status: criteria provided, single submitter. Criteria: Invitae Variant Classification Sherloc (09022015). Collection method: clinical testing. Allele origin: germline.

Baylor Genetics
Classification: Uncertain significance for Microcephaly 3, primary, autosomal recessive. Last evaluated: 2018-11-16. Review status: criteria provided, single submitter. Criteria: ACMG Guidelines, 2015. Collection method: clinical testing. Allele origin: maternal. Affected: yes.
Comment: This variant was determined to be of uncertain significance according to ACMG Guidelines, 2015 [PMID:25741868].

Illumina Laboratory Services, Illumina
Classification: Uncertain significance for Microcephaly 3, primary, autosomal recessive. Last evaluated: 2018-01-13. Review status: criteria provided, single submitter. Criteria: ICSL Variant Classification Criteria 13 December 2019. Collection method: clinical testing. Allele origin: germline.

Genetic Services Laboratory, University of Chicago
Classification: Uncertain significance. Last evaluated: 2017-05-17. Review status: criteria provided, single submitter. Criteria: ACMG Guidelines, 2015. Collection method: clinical testing. Allele origin: germline. Affected: no.

PreventionGenetics, part of Exact Sciences
Classification: Likely benign for CDK5RAP2-related condition. Last evaluated: 2022-04-11. Review status: no assertion criteria provided. Collection method: clinical testing. Allele origin: germline. Not counted in ClinVar's aggregate classification.
Comment: This variant is classified as likely benign based on ACMG/AMP sequence variant interpretation guidelines (Richards et al. 2015 PMID: 25741868, with internal and published modifications).